The following is an entry in ClinVar:

NM_001349253.2(SCN11A):c.3856A>C (p.Ile1286Leu)

Gene: SCN11A (sodium voltage-gated channel alpha subunit 11; minus strand). Cytogenetic location: 3p22.2.
Variant type: single nucleotide variant.
Coding change: c.3856A>C on transcript NM_001349253.2 (MANE Select); coding-DNA position 3856, A replaced by C.
Protein change: p.Ile1286Leu; replaces isoleucine 1286 with leucine.
Molecular consequence: missense variant.
Genome position (GRCh38, 1-based): chr3:38,867,416, T>G on the plus strand (A>C on the coding strand, the complement: SCN11A is on the minus strand). VCF-style: chr3-38867416-T-G. GRCh37 (hg19) VCF-style: chr3-38908907-T-G.
Other names: c.3856A>C, p.Ile1286Leu (NM_014139.3); short protein forms I1286L.
Identifiers: ClinVar variation 1356159 (VCV001356159.6), dbSNP rs752151721, ClinGen allele CA2321672.

ClinVar aggregate classification (germline): Uncertain significance (1 of 4 stars; one submission).

Conditions:
Hereditary sensory and autonomic neuropathy type 7. Also called: Neuropathy, hereditary sensory and autonomic, type VII; HSAN VII. Identifiers: Orphanet 391397, MedGen C3809882, MONDO:0014244, OMIM 615548.
Familial episodic pain syndrome with predominantly lower limb involvement. Also called: Episodic pain syndrome, familial, 3. Identifiers: Orphanet 391384, Orphanet 391392, MedGen C3809899, MONDO:0014247, OMIM 615552.

Allele frequency attached by ClinVar (database versions not stated): gnomAD exomes below 0.00001; ExAC 0.00001.
gnomAD v4.1: 2 of 1,613,288 alleles (0.00012%); highest among the groups gnomAD compares: South Asian, 0.0022%; no homozygotes.

Submission:

Labcorp Genetics (formerly Invitae), Labcorp
Classification: Uncertain significance for Familial episodic pain syndrome with predominantly lower limb involvement; Hereditary sensory and autonomic neuropathy type 7. Last evaluated: 2021-09-29. Review status: criteria provided, single submitter. Criteria: Invitae Variant Classification Sherloc (09022015). Collection method: clinical testing. Allele origin: germline.
Comment: In summary, the available evidence is currently insufficient to determine the role of this variant in disease. Therefore, it has been classified as a Variant of Uncertain Significance. Algorithms developed to predict the effect of missense changes on protein structure and function output the following: SIFT: "Tolerated"; PolyPhen-2: "Benign"; Align-GVGD: "Class C0". The leucine amino acid residue is found in multiple mammalian species, which suggests that this missense change does not adversely affect protein function. This variant has not been reported in the literature in individuals affected with SCN11A-related conditions. This variant is present in population databases (rs752151721, ExAC 0.006%). This sequence change replaces isoleucine with leucine at codon 1286 of the SCN11A protein (p.Ile1286Leu). The isoleucine residue is weakly conserved and there is a small physicochemical difference between isoleucine and leucine.